The following is an entry in ClinVar:

NM_198576.4(AGRN):c.940G>C (p.Asp314His)

Gene: AGRN (agrin; plus strand). Cytogenetic location: 1p36.33.
Variant type: single nucleotide variant.
Coding change: c.940G>C on transcript NM_198576.4 (MANE Select); coding-DNA position 940, G replaced by C.
Protein change: p.Asp314His; replaces aspartic acid 314 with histidine.
Molecular consequence: missense variant.
Genome position (GRCh38, 1-based): chr1:1,041,385, G>C. VCF-style: chr1-1041385-G-C. GRCh37 (hg19) VCF-style: chr1-976765-G-C.
Other names: c.940G>C, p.Asp314His (NM_001305275.2); c.625G>C, p.Asp209His (NM_001364727.2); short protein forms D209H, D314H.
Identifiers: ClinVar variation 1303667 (VCV001303667.2), dbSNP rs756357739, ClinGen allele CA507941.
Genomic context (GRCh38, chr1:1,041,385, plus strand): 5'-GGCGAGTGCCAGCTCCTGCGCCGCGCCTGCGCCCGCCAGGAGAATGTCTTCAAGAAGTTC[G>C]ACGGCCCTTGTGGTGAGCGCGGCGGCGGGCGCACGGCTCGAGCTCTGTGGGCGCGCGGCG-3'
Protein context (NP_940978.2, residues 304-324): ARQENVFKKF[Asp314His]GPCDPCQGAL

ClinVar aggregate classification (germline): Uncertain significance (1 of 4 stars; one submission).

Allele frequency attached by ClinVar (database versions not stated): ExAC 0.00007; gnomAD exomes 0.00001.
gnomAD v4.1: 3 of 1,541,964 alleles (0.00019%); highest among the groups gnomAD compares: South Asian, 0.0012%; no homozygotes.

Submission:

GeneDx
Classification: Uncertain significance. Last evaluated: 2019-05-14. Review status: criteria provided, single submitter. Criteria: GeneDx Variant Classification Process June 2021. Collection method: clinical testing. Allele origin: germline. Affected: yes.
Comment: Not observed at a significant frequency in large population cohorts (Lek et al., 2016); In silico analysis, which includes protein predictors and evolutionary conservation, supports that this variant does not alter protein structure/function; Has not been previously published as pathogenic or benign to our knowledge